The following is an entry in ClinVar:

ClinVar aggregate classification (germline): Uncertain significance. Review status: criteria provided, multiple submitters, no conflicts (2 of 4 stars). 2 submissions from 2 submitters: Uncertain significance (2). Last evaluated 2024-03-07.

Conditions:
Hyperaldosteronism, familial, type IV (HALD4). Also called: FH IV; ALDOSTERONISM, PRIMARY, AND HYPERTENSION. Identifiers: Orphanet 642671, MedGen C4310756, MONDO:0014875, OMIM 617027.
Epilepsy, childhood absence, susceptibility to, 6. Identifiers: Orphanet 64280, MedGen C2749872, MONDO:0012763, OMIM 611942.
Idiopathic generalized epilepsy. Also called: Generalised epilepsy; EIG. Identifiers: MedGen C0270850, MONDO:0005579, OMIM 600669.

Allele frequency attached by ClinVar (database versions not stated): gnomAD exomes below 0.00001.
gnomAD v4.1: 2 of 1,552,786 alleles (0.00013%); highest among the groups gnomAD compares: Non-Finnish European, 0.00017%; no homozygotes.

Submissions (2):

Fulgent Genetics
Classification: Uncertain significance for Epilepsy, childhood absence, susceptibility to, 6; Hyperaldosteronism, familial, type IV. Last evaluated: 2024-03-07. Review status: criteria provided, single submitter. Criteria: ACMG Guidelines, 2015. Collection method: clinical testing. Allele origin: germline.

Labcorp Genetics (formerly Invitae), Labcorp
Classification: Uncertain significance for Idiopathic generalized epilepsy; Hyperaldosteronism, familial, type IV. Last evaluated: 2018-01-16. Review status: criteria provided, single submitter. Criteria: Invitae Variant Classification Sherloc (09022015). Collection method: clinical testing. Allele origin: germline.
Comment: This sequence change replaces serine with glycine at codon 1174 of the CACNA1H protein (p.Ser1174Gly). The serine residue is highly conserved and there is a small physicochemical difference between serine and glycine. While this variant is not present in population databases, the frequency information is unreliable, as metrics indicate poor data quality at this position in the ExAC database. In summary, the available evidence is currently insufficient to determine the role of this variant in disease. Therefore, it has been classified as a Variant of Uncertain Significance. Algorithms developed to predict the effect of missense changes on protein structure and function do not agree on the potential impact of this missense change (SIFT: "Deleterious"; PolyPhen-2: "Possibly Damaging"; Align-GVGD: "Class C0"). This variant has not been reported in the literature in individuals with CACNA1H-related disease.

NM_021098.3(CACNA1H):c.3520A>G (p.Ser1174Gly)

Gene: CACNA1H (calcium voltage-gated channel subunit alpha1 H; plus strand). Cytogenetic location: 16p13.3.
Variant type: single nucleotide variant.
Coding change: c.3520A>G on transcript NM_021098.3 (MANE Select); coding-DNA position 3520, A replaced by G.
Protein change: p.Ser1174Gly; replaces serine 1174 with glycine.
Molecular consequence: missense variant.
Genome position (GRCh38, 1-based): chr16:1,209,188, A>G. VCF-style: chr16-1209188-A-G. GRCh37 (hg19) VCF-style: chr16-1259188-A-G.
Other names: c.3520A>G, p.Ser1174Gly (NM_001005407.2); short protein forms S1174G.
Identifiers: ClinVar variation 579179 (VCV000579179.9), dbSNP rs1379085668, ClinGen allele CA394173822.
Genomic context (GRCh38, chr16:1,209,188, plus strand): 5'-CTCAAGCGCCGCGGCCAGTGTGGGGAACGTGAGTCCCTGCTGTCTGGCGAGGGCAAGGGC[A>G]GCACCGACGACGAAGCTGAGGACGGCAGGGCCGCGCCCGGGCCCCGTGCCACCCCACTGC-3'
Protein context (NP_066921.2, residues 1164-1184): ESLLSGEGKG[Ser1174Gly]TDDEAEDGRA